The following is an entry in ClinVar:

NM_000212.3(ITGB3):c.225_226del (p.Ala76fs)

Gene: ITGB3 (integrin subunit beta 3; plus strand). Cytogenetic location: 17q21.32.
Variant type: Microsatellite.
Coding change: c.225_226del on transcript NM_000212.3 (MANE Select); coding-DNA positions 225 to 226, 2 bases deleted (TG; older notation c.225_226delTG).
Protein change: p.Ala76fs; shifts the reading frame from alanine 76.
Molecular consequence: frameshift variant.
Genome position (GRCh38, 1-based): chr17:47,283,413-47,283,414, TG deleted; deleting any 2 consecutive bases within chr17:47,283,411-47,283,414 gives the same sequence; the c. name uses the placement nearest the transcript's 3' end. VCF-style (leftmost placement, unchanged base first): chr17-47283410-CTG-C. GRCh37 (hg19) VCF-style: chr17-45360776-CTG-C.
Other names: NM_000212.3:c.225_226del; short protein forms A76fs.
Identifiers: ClinVar variation 1330313 (VCV001330313.4), dbSNP rs1438135616, ClinGen allele CA626684825.
Genomic context (GRCh38, chr17:47,283,410, plus strand): 5'-ACAGGCCCTGCCTCTGGGCTCACCTCGCTGTGACCTGAAGGAGAATCTGCTGAAGGATAA[CTG>C]TGCCCCAGAATCCATCGAGTTCCCAGTGAGTGAGGCCCGAGTACTAGAGGACAGGCCCCT-3'

ClinVar aggregate classification (germline): Pathogenic. Review status: reviewed by expert panel (3 of 4 stars). 2 submissions from 2 submitters: Pathogenic (1). 1 of the submissions does not count toward it. Last evaluated 2021-11-09.

Conditions:
Glanzmann thrombasthenia. Also called: THROMBASTHENIA OF GLANZMANN AND NAEGELI; BLEEDING DISORDER, PLATELET-TYPE, 2; Thrombasthenia; PLATELET GLYCOPROTEIN IIb-IIIa DEFICIENCY; Glanzmann's thrombasthenia. Identifiers: Orphanet 849, MedGen C0040015, MONDO:0100326.

Submissions (2):

ClinGen Platelet Disorders Variant Curation Expert Panel, ClinGen
Classification: Pathogenic for Glanzmann thrombasthenia. Last evaluated: 2021-11-09. Review status: reviewed by expert panel. Criteria: ClinGen Platelet ACMG Specifications v2. Collection method: curation. Allele origin: germline. Inheritance: Autosomal recessive inheritance.
Comment: NM_000212.3(ITGB3):c.225_226del (p.Ala76ProfsTer10) in exon 3 of ITGB3 is a frameshift variant predicted to cause a premature stop codon in biologically-relevant-exon 3/15 and is predicted to lead to nonsense mediated decay (PVS1). GT7 of PMID: 32237906 displayed mucocutaneous bleeding and impaired aggregation with all agonists except ristocetin, which is highly specific for Glanzmann thrombasthenia (PP4_moderate). Additionally, β3 surface expression was reduced to 0.3%, as measured by flow cytometry. GT7 (PMID: 32237906) is compound heterozygous for c.225_226del and Arg242Ter (classified Pathogenic by the PD-VCEP; PM3_supporting). The highest population minor allele frequency in gnomAD v2.1.1 is 0.0001087 (2/18394 alleles) in the East Asian population, which is lower than the ClinGen PD VCEP threshold (<0.0001; PM2_Supporting). In summary, this variant meets the criteria to be classified as Pathogenic for autosomal recessive Glanzmann Thrombasthenia based on the ACMG/AMP criteria applied, as specified by the ClinGen PD VCEP: PVS1, PP4_moderate, PM2_supporting, PM3_supporting. (VCEP specifications version 2; date of approval 11/04/2021)

Labcorp Genetics (formerly Invitae), Labcorp
Classification: Pathogenic. Last evaluated: 2023-05-20. Review status: criteria provided, single submitter. Criteria: Invitae Variant Classification Sherloc (09022015). Collection method: clinical testing. Allele origin: germline. Not counted in ClinVar's aggregate classification.
Comment: For these reasons, this variant has been classified as Pathogenic. This variant has not been reported in the literature in individuals affected with ITGB3-related conditions. This variant is present in population databases (no rsID available, gnomAD 0.01%). This sequence change creates a premature translational stop signal (p.Ala76Profs*10) in the ITGB3 gene. It is expected to result in an absent or disrupted protein product. Loss-of-function variants in ITGB3 are known to be pathogenic (PMID: 21917754).

Literature cited by the submitters: PubMed 21917754 (cited by Labcorp Genetics (formerly Invitae), Labcorp).